The following is an entry in ClinVar:

ClinVar aggregate classification (germline): Uncertain significance (1 of 4 stars; one submission).

Allele frequency attached by ClinVar (database versions not stated): gnomAD exomes below 0.00001; TOPMed below 0.00001; ExAC 0.00001; gnomAD 0.00001.

Submission:

Ambry Genetics
Classification: Uncertain significance. Last evaluated: 2024-06-24. Review status: criteria provided, single submitter. Criteria: Ambry Variant Classification Scheme 2023. Collection method: clinical testing. Allele origin: germline.
Comment: The p.A115V variant (also known as c.344C>T) is located in coding exon 3 of the POLQ gene. The alanine at codon 115 is replaced by valine, an amino acid with similar properties. This change occurs in the first base pair of coding exon 3. This amino acid position is conserved. In addition, this alteration is predicted to be deleterious by in silico analysis. Since supporting evidence is limited at this time, the clinical significance of this alteration remains unclear.

NM_199420.4(POLQ):c.344C>T (p.Ala115Val)

Gene: POLQ (DNA polymerase theta; minus strand). Cytogenetic location: 3q13.33.
Variant type: single nucleotide variant.
Coding change: c.344C>T on transcript NM_199420.4 (MANE Select); coding-DNA position 344, C replaced by T.
Protein change: p.Ala115Val; replaces alanine 115 with valine.
Molecular consequence: missense variant.
Genome position (GRCh38, 1-based): chr3:121,541,479, G>A on the plus strand (C>T on the coding strand, the complement: POLQ is on the minus strand). VCF-style: chr3-121541479-G-A. GRCh37 (hg19) VCF-style: chr3-121260326-G-A.
Other names: short protein forms A115V.
Identifiers: ClinVar variation 1731544 (VCV001731544.3), dbSNP rs747521850, ClinGen allele CA2563836.